The following is an entry in ClinVar:

ClinVar aggregate classification (germline): Uncertain significance (1 of 4 stars; one submission).

Submission:

GeneDx
Classification: Uncertain significance. Last evaluated: 2026-04-16. Review status: criteria provided, single submitter. Criteria: GeneDx Variant Classification Process June 2021. Collection method: clinical testing. Allele origin: germline.
Comment: In-frame deletion of 1 amino acid in a non-repeat region; In silico analysis supports a deleterious effect on protein structure/function; Has not been previously published as pathogenic or benign to our knowledge; Not observed at significant frequency in large population cohorts (gnomAD).

NM_001205293.3(CACNA1E):c.3510GGC[1] (p.Ala1172del)

Gene: CACNA1E (calcium voltage-gated channel subunit alpha1 E; plus strand). Cytogenetic location: 1q25.3.
Variant type: Microsatellite.
Coding change: c.3510GGC[1] on transcript NM_001205293.3 (MANE Select); one copy of the 3-base unit GGC starting at c.3510; the reference has two copies in a row; one copy, 3 bases deleted.
Protein change: p.Ala1172del; deletes alanine 1172.
Genome position (GRCh38, 1-based): chr1:181,737,615-181,737,617, GGC deleted; deleting any 3 consecutive bases within chr1:181,737,612-181,737,617 gives the same sequence; the position shown is the placement nearest the transcript's 3' end. VCF-style (leftmost placement, unchanged base first): chr1-181737611-TGGC-T. GRCh37 (hg19) VCF-style: chr1-181706747-TGGC-T.
Other names: c.3510GGC[1], p.Ala1172del (NM_000721.4); c.3453GGC[1], p.Ala1153del (NM_001205294.2); short protein forms A1153del, A1172del.
Identifiers: ClinVar variation 3361395 (VCV003361395.2).